The following is an entry in ClinVar:

NM_001999.4(FBN2):c.2676C>G (p.Asp892Glu)

Gene: FBN2 (fibrillin 2; minus strand). Cytogenetic location: 5q23.3.
Variant type: single nucleotide variant.
Coding change: c.2676C>G on transcript NM_001999.4 (MANE Select); coding-DNA position 2676, C replaced by G.
Protein change: p.Asp892Glu; replaces aspartic acid 892 with glutamic acid.
Molecular consequence: missense variant.
Genome position (GRCh38, 1-based): chr5:128,351,004, G>C on the plus strand (C>G on the coding strand, the complement: FBN2 is on the minus strand). VCF-style: chr5-128351004-G-C. GRCh37 (hg19) VCF-style: chr5-127686696-G-C.
Other names: short protein forms D892E.
Identifiers: ClinVar variation 2109414 (VCV002109414.4), dbSNP rs1751341506, ClinGen allele CA360766562.

ClinVar aggregate classification (germline): Uncertain significance (1 of 4 stars; one submission).

Conditions:
Congenital contractural arachnodactyly (CCA). Also called: BEALS SYNDROME; Beals-Hecht syndrome; Arthrogryposis, distal, type 9. Identifiers: Orphanet 115, MedGen C0220668, MONDO:0007363, OMIM 121050.

Submission:

Labcorp Genetics (formerly Invitae), Labcorp
Classification: Uncertain significance for Congenital contractural arachnodactyly. Last evaluated: 2022-03-11. Review status: criteria provided, single submitter. Criteria: Invitae Variant Classification Sherloc (09022015). Collection method: clinical testing. Allele origin: germline.
Comment: In summary, the available evidence is currently insufficient to determine the role of this variant in disease. Therefore, it has been classified as a Variant of Uncertain Significance. Algorithms developed to predict the effect of sequence changes on RNA splicing suggest that this variant may disrupt the consensus splice site. Algorithms developed to predict the effect of missense changes on protein structure and function are either unavailable or do not agree on the potential impact of this missense change (SIFT: "Deleterious"; PolyPhen-2: "Possibly Damaging"; Align-GVGD: "Class C0"). This variant has not been reported in the literature in individuals affected with FBN2-related conditions. This variant is not present in population databases (gnomAD no frequency). This sequence change replaces aspartic acid, which is acidic and polar, with glutamic acid, which is acidic and polar, at codon 892 of the FBN2 protein (p.Asp892Glu).